The following is an entry in ClinVar:

NM_005802.5(TOPORS):c.2892G>A (p.Lys964=)

Gene: TOPORS (TOP1 binding arginine/serine rich protein, E3 ubiquitin ligase; minus strand). Cytogenetic location: 9p21.1.
Variant type: single nucleotide variant.
Coding change: c.2892G>A on transcript NM_005802.5 (MANE Select); coding-DNA position 2892, G replaced by A.
Protein change: p.Lys964=; no amino-acid change (lysine 964 retained).
Molecular consequence: synonymous variant.
Genome position (GRCh38, 1-based): chr9:32,541,633, C>T on the plus strand (G>A on the coding strand, the complement: TOPORS is on the minus strand). VCF-style: chr9-32541633-C-T. GRCh37 (hg19) VCF-style: chr9-32541631-C-T.
Other names: c.2892G>A (NM_005802.4); c.2697G>A, p.Lys899= (NM_001195622.2).
Identifiers: ClinVar variation 1106772 (VCV001106772.9), dbSNP rs201280945, ClinGen allele CA5020293.

ClinVar aggregate classification (germline): Likely benign. Review status: criteria provided, single submitter (1 of 4 stars). 2 submissions from 2 submitters: Likely benign (1). 1 of the submissions does not count toward it. Last evaluated 2025-06-11.

Conditions:
TOPORS-related disorder. Also called: TOPORS-related condition.

Allele frequency attached by ClinVar (database versions not stated): gnomAD exomes 0.00001 and 0.00003; ExAC 0.00005; ESP Exome Variant Server 0.00008; TOPMed 0.00009; gnomAD 0.00012; 1000 Genomes Project 30x 0.00016; 1000 Genomes Project 0.00020.
gnomAD v4.1: 34 of 1,614,160 alleles (0.0021%); highest among the groups gnomAD compares: African/African-American, 0.041%; no homozygotes.

Submissions (2):

Labcorp Genetics (formerly Invitae), Labcorp
Classification: Likely benign. Last evaluated: 2025-06-11. Review status: criteria provided, single submitter. Criteria: Invitae Variant Classification Sherloc (09022015). Collection method: clinical testing. Allele origin: germline.

PreventionGenetics, part of Exact Sciences
Classification: Likely benign for TOPORS-related condition. Last evaluated: 2019-08-21. Review status: no assertion criteria provided. Collection method: clinical testing. Allele origin: germline. Not counted in ClinVar's aggregate classification.
Comment: This variant is classified as likely benign based on ACMG/AMP sequence variant interpretation guidelines (Richards et al. 2015 PMID: 25741868, with internal and published modifications).